The following is an entry in ClinVar:

NM_031407.7(HUWE1):c.7204+12G>A

Genes: HUWE1 (HECT, UBA and WWE domain containing E3 ubiquitin protein ligase 1; minus strand), LOC126863262 (MED14-independent group 3 enhancer GRCh37_chrX:53588722-53589921; plus strand). Cytogenetic location: Xp11.22.
Variant type: single nucleotide variant.
Coding change: c.7204+12G>A on transcript NM_031407.7 (MANE Select); 12 bases into the intron after coding-DNA position 7204, G replaced by A.
Molecular consequence: intron variant.
Genome position (GRCh38, 1-based): chrX:53,562,819, C>T on the plus strand (G>A on the coding strand, the complement: HUWE1 is on the minus strand). VCF-style: chrX-53562819-C-T. GRCh37 (hg19) VCF-style: chrX-53589780-C-T.
Identifiers: ClinVar variation 1698572 (VCV001698572.1), dbSNP rs782423789, ClinGen allele CA10421988.
Genomic context (GRCh38, chrX:53,562,819, plus strand): 5'-GAAAACCCTAGTGTAGTGTCTGTCAGACGTGCAGGGCAAGAAGGGAGGCCTTTCTGGCCT[C>T]GGCACTCTCACCTTCTCGGTTGGCCTGCAAGGTGGAAGCTTGGCTGAGGTTGGAAGGAGC-3'

ClinVar aggregate classification (germline): Uncertain significance (1 of 4 stars; one submission).

Allele frequency attached by ClinVar (database versions not stated): TOPMed 0.00001; ExAC 0.00002; gnomAD 0.00002; gnomAD exomes 0.00001 and 0.00002.

Submission:

Women's Health and Genetics/Laboratory Corporation of America, LabCorp
Classification: Uncertain significance. Last evaluated: 2022-06-01. Review status: criteria provided, single submitter. Criteria: LabCorp Variant Classification Summary - May 2015. Collection method: clinical testing. Allele origin: germline.
Comment: Variant summary: HUWE1 c.7204+12G>A alters a non-conserved nucleotide located close to a canonical splice site and therefore could affect mRNA splicing, leading to a significantly altered protein sequence. 4/4 computational tools predict no significant impact on normal splicing. However, these predictions have yet to be confirmed by functional studies. The variant allele was found at a frequency of 1.1e-05 in 182392 control chromosomes. The available data on variant occurrences in the general population are insufficient to allow any conclusion about variant significance. To our knowledge, no occurrence of c.7204+12G>A in individuals affected with Intellectual Disability, X-Linked Syndromic, Turner Type and no experimental evidence demonstrating its impact on protein function have been reported. No clinical diagnostic laboratories have submitted clinical-significance assessments for this variant to ClinVar after 2014. Based on the evidence outlined above, the variant was classified as uncertain significance.